The following is an entry in ClinVar:

ClinVar aggregate classification (germline): Benign/Likely benign. Review status: criteria provided, multiple submitters, no conflicts (2 of 4 stars). 9 submissions from 9 submitters: Benign (2); Likely benign (4). 3 of the submissions do not count toward it. Last evaluated 2026-07-01.

Conditions:
EDN3-related disorder. Also called: EDN3-related condition.
Aganglionic megacolon (HSCR). Also called: Hirschsprung's disease; Hirschsprung disease. Identifiers: Orphanet 388, MedGen C0019569, MeSH D006627, MONDO:0018309, HP:0002251.
Waardenburg syndrome type 4B (WS4B). Also called: WAARDENBURG SYNDROME, TYPE 4B, WITH HIRSCHSPRUNG DISEASE. Identifiers: Orphanet 897, MedGen C2750457, MONDO:0013201, OMIM 613265.
Congenital central hypoventilation. Also called: Congenital Central Hypoventilation Syndrome. Identifiers: Orphanet 661, Orphanet 99803, MedGen C1275808, MONDO:0800031. Disease mechanism: gain of function.

Submissions (9):

CeGaT Center for Human Genetics Tuebingen
Classification: Likely benign. Last evaluated: 2026-07-01. Review status: criteria provided, single submitter. Criteria: CeGaT Center For Human Genetics Tuebingen Variant Classification Criteria Version 2. Collection method: clinical testing. Allele origin: germline. Affected: yes. Observed: 3 variant alleles.
Comment: EDN3: BS2

Labcorp Genetics (formerly Invitae), Labcorp
Classification: Likely benign. Last evaluated: 2026-02-03. Review status: criteria provided, single submitter. Criteria: Invitae Variant Classification Sherloc (09022015). Collection method: clinical testing. Allele origin: germline.

Blueprint Genetics
Classification: Likely benign. Last evaluated: 2024-11-27. Review status: criteria provided, single submitter. Criteria: ACMG Guidelines, 2015. Collection method: clinical testing. Allele origin: germline.

Mendelics
Classification: Likely benign for Waardenburg syndrome type 4B. Last evaluated: 2019-05-28. Review status: criteria provided, single submitter. Criteria: Mendelics Assertion Criteria 2017. Collection method: clinical testing. Allele origin: unknown.

GeneDx
Classification: Benign. Last evaluated: 2019-02-15. Review status: criteria provided, single submitter. Criteria: GeneDx Variant Classification Process June 2021. Collection method: clinical testing. Allele origin: germline. Affected: yes.
Comment: Frameshift variant predicted to result in protein truncation as the last 50 amino acids are replaced with 9 different amino acids, although loss-of-function variants have not been reported downstream of this position in the protein; This variant is associated with the following publications: (PMID: 19556619, 8696331, 20127975, 30096381)

Laboratory for Molecular Medicine, Mass General Brigham Personalized Medicine
Classification: Benign. Last evaluated: 2017-07-20. Review status: criteria provided, single submitter. Criteria: LMM Criteria. Collection method: clinical testing. Allele origin: germline. Observed: 8 variant alleles.
Comment: p.Thr189fs in exon 4 of EDN3: This variant is not expected to have clinical sign ificance because it has been identified in 0.6% (157/25790) of Finnish chromosom es including 2 homozygotes, and 0.3% (381/126686) of European chromosomes by the Genome Aggregation Database (gnomAD; dbSNP rs 11570344). The variant has been reported in an individual with congenital centra l hypoventilation syndrome and an individual with Hirschsprung disease; however, the variant did not segregate with disease in an affected sibling while several unaffected family members harbored this variant. In addition, in vitro function al analysis indicated no effect on protein expression and the authors pointed ou t that the variant occurs in a region near the 3' end that is cleaved off in the active form of the protein (Bolk 1996, Sanchez-Mejias 2009). In summary, this variant is benign based on its frequency and lack of evidence to support pathoge nicity.

PreventionGenetics, part of Exact Sciences
Classification: Likely benign for EDN3-related condition. Last evaluated: 2019-07-01. Review status: no assertion criteria provided. Collection method: clinical testing. Allele origin: germline. Not counted in ClinVar's aggregate classification.
Comment: This variant is classified as likely benign based on ACMG/AMP sequence variant interpretation guidelines (Richards et al. 2015 PMID: 25741868, with internal and published modifications).

OMIM
Classification: Uncertain significance for RECLASSIFIED - VARIANT OF UNKNOWN SIGNIFICANCE. Last evaluated: 1996-08-01. Review status: no assertion criteria provided. Collection method: literature only. Allele origin: germline. Not counted in ClinVar's aggregate classification.

Human Genomics Unit, Institute for molecular medicine Finland (FIMM)
Classification: Likely pathogenic for Hirschsprung disease. Review status: no assertion criteria provided. Collection method: research. Allele origin: unknown. Affected: yes. Observed: 1 variant allele. Not counted in ClinVar's aggregate classification.

Literature cited by the submitters: PubMed 19556619 (cited by Laboratory for Molecular Medicine, Mass General Brigham Personalized Medicine); PubMed 8696331 (cited by Laboratory for Molecular Medicine, Mass General Brigham Personalized Medicine and OMIM); Hamosh, A. Personal Communication. 2021. Baltimore, Md. (cited by OMIM).

NM_207034.3(EDN3):c.565dup (p.Thr189fs)

Gene: EDN3 (endothelin 3; plus strand). Cytogenetic location: 20q13.32.
Variant type: Duplication.
Coding change: c.565dup on transcript NM_207034.3 (MANE Select); coding-DNA position 565, one base duplicated (A; older notation c.565dupA).
Protein change: p.Thr189fs; shifts the reading frame from threonine 189.
Genome position (GRCh38, 1-based): chr20:59,322,394, A duplicated; the last of 6 consecutive A bases (chr20:59,322,389-59,322,394); duplicating any one gives the same sequence. VCF-style (leftmost placement, unchanged base first): chr20-59322388-G-GA. GRCh37 (hg19) VCF-style: chr20-57897443-G-GA.
Other names: p.Thr189AsnfsX10; c.565dup, p.Thr189fs (NM_001302455.2, NM_207032.3); c.542+1201dup (NM_207033.3, NM_001302456.2); c.565dupA (NM_207034.2); c.565_566insA (NM_207034.1); short protein forms T189fs.
Identifiers: ClinVar variation 227351 (VCV000227351.35), dbSNP rs11570344, ClinGen allele CA9930413.